The following is an entry in ClinVar:

NM_003242.6(TGFBR2):c.1299G>A (p.Arg433=)

Gene: TGFBR2 (transforming growth factor beta receptor 2; plus strand). Cytogenetic location: 3p24.1.
Variant type: single nucleotide variant.
Coding change: c.1299G>A on transcript NM_003242.6 (MANE Select); coding-DNA position 1299, G replaced by A.
Protein change: p.Arg433=; no amino-acid change (arginine 433 retained).
Molecular consequence: synonymous variant. On other transcripts: intron variant (1).
Genome position (GRCh38, 1-based): chr3:30,674,149, G>A. VCF-style: chr3-30674149-G-A. GRCh37 (hg19) VCF-style: chr3-30715641-G-A.
Other names: c.1374G>A, p.Arg458= (NM_001024847.3); c.1482G>A, p.Arg494= (NM_001407126.1); c.1407G>A, p.Arg469= (NM_001407127.1); c.1326G>A, p.Arg442= (NM_001407128.1); c.1302G>A, p.Arg434= (NM_001407129.1); c.1299G>A, p.Arg433= (NM_001407130.1); c.1194G>A, p.Arg398= (NM_001407132.1, NM_001407133.1, NM_001407134.1 and 2 more transcripts); c.1014G>A, p.Arg338= (NM_001407137.1); and 2 more.
Identifiers: ClinVar variation 3070109 (VCV003070109.1), dbSNP rs2125438944, ClinGen allele CA432917715.

ClinVar aggregate classification (germline): Likely benign (1 of 4 stars; one submission).

Conditions:
Loeys-Dietz syndrome 2 (LDS2). Also called: AORTIC ANEURYSM, FAMILIAL THORACIC 3; MARFAN SYNDROME, TYPE II; Marfan syndrome, type 2 (formerly); TGFBR2-Related Loeys-Dietz Syndrome; Marfan Syndrome type 2; Marfan like connective tissue disorder. Identifiers: Orphanet 284973, Orphanet 558, MedGen C2674574, MONDO:0012427, OMIM 610168.

Submission:

All of Us Research Program, National Institutes of Health
Classification: Likely benign for Loeys-Dietz syndrome 2. Last evaluated: 2023-04-03. Review status: criteria provided, single submitter. Criteria: ACMG Guidelines, 2015. Collection method: clinical testing. Allele origin: germline. Inheritance: Autosomal dominant inheritance. Observed: 1 variant allele, 1 heterozygote.
Comment: This study involves interpretation of variants in research participants for the purpose of population health screening. Participant phenotype was not available at the time of variant classification. Additional details can be found in publication PMID: 35346344, PMCID: PMC8962531